The following is an entry in ClinVar:

NM_178148.4(SLC35B2):c.1078G>A (p.Gly360Arg)

Gene: SLC35B2 (solute carrier family 35 member B2; minus strand). Cytogenetic location: 6p21.1.
Variant type: single nucleotide variant.
Coding change: c.1078G>A on transcript NM_178148.4 (MANE Select); coding-DNA position 1078, G replaced by A.
Protein change: p.Gly360Arg; replaces glycine 360 with arginine.
Molecular consequence: missense variant.
Genome position (GRCh38, 1-based): chr6:44,254,927, C>T on the plus strand (G>A on the coding strand, the complement: SLC35B2 is on the minus strand). VCF-style: chr6-44254927-C-T. GRCh37 (hg19) VCF-style: chr6-44222664-C-T.
Other names: NC_000006.11:g.44222664C>T; c.1063G>A, p.Gly355Arg (NM_001286509.2, NM_001286510.2); c.931G>A, p.Gly311Arg (NM_001286511.2, NM_001286512.2); c.799G>A, p.Gly267Arg (NM_001286513.2); c.763G>A, p.Gly255Arg (NM_001286517.2); c.679G>A, p.Gly227Arg (NM_001286519.2, NM_001286520.2); short protein forms G227R, G267R, G311R, G255R, G355R, G360R.
Identifiers: ClinVar variation 4328947 (VCV004328947.5).
Genomic context (GRCh38, chr6:44,254,927, plus strand): 5'-GGATGGCAAAGGCCTGGCGGAGGGTCATGATGATGGTGAAGACGGCAGCCCCAAACTGCC[C>T]AATGGTGTAAAAGATGAAGAGCTGGCCACATGCGGAGCAGATGGAGAGTAGCAGGGCATG-3'
Protein context (NP_835361.1, residues 350-370): CGQLFIFYTI[Gly360Arg]QFGAAVFTII

ClinVar aggregate classification (germline): Likely benign (1 of 4 stars; one submission).

Submissions (2):

CeGaT Center for Human Genetics Tuebingen
Classification: Likely benign. Last evaluated: 2026-09-01. Review status: criteria provided, single submitter. Criteria: CeGaT Center For Human Genetics Tuebingen Variant Classification Criteria Version 2. Collection method: clinical testing. Allele origin: germline. Affected: yes. Observed: 3 variant alleles.
Comment: SLC35B2: BS2

Dr. Peter K. Rogan Lab, Western University
No classification provided (evidence only). Condition: Familial cancer of breast. Review status: no classification provided. Collection method: in vitro. Allele origin: not applicable. Functional consequence: retained intron. Not counted in ClinVar's aggregate classification.